The following is an entry in ClinVar:

NM_153700.2(STRC):c.3128del (p.Pro1043fs)

Gene: STRC (stereocilin; minus strand). Cytogenetic location: 15q15.3.
Variant type: Deletion.
Coding change: c.3128del on transcript NM_153700.2 (MANE Select); coding-DNA position 3128, one base deleted (C; older notation c.3128delC).
Protein change: p.Pro1043fs; shifts the reading frame from proline 1043.
Molecular consequence: frameshift variant.
Genome position (GRCh38, 1-based): chr15:43,611,509, G deleted on the plus strand (C on the coding strand, the reverse complement: STRC is on the minus strand); the first of 2 consecutive G bases (chr15:43,611,509-43,611,510); deleting either gives the same sequence. VCF-style (leftmost placement, unchanged base first): chr15-43611508-AG-A. GRCh37 (hg19) VCF-style: chr15-43903706-AG-A.
Other names: short protein forms P1043fs.
Identifiers: ClinVar variation 4849533 (VCV004849533.1).

ClinVar aggregate classification (germline): Likely pathogenic (1 of 4 stars; one submission).

Conditions:
Autosomal recessive nonsyndromic hearing loss 16. Also called: DEAFNESS, AUTOSOMAL RECESSIVE 16; DFNB16 Nonsyndromic Hearing Loss and Deafness. Identifiers: Orphanet 90636, MedGen C1863561, MONDO:0011364, OMIM 603720.

Submission:

Institute of Medical Genetics and Applied Genomics, University Hospital Tübingen
Classification: Likely pathogenic for Autosomal recessive nonsyndromic hearing loss 16. Last evaluated: 2026-05-04. Review status: criteria provided, single submitter. Criteria: ACMG Guidelines, 2015. Collection method: clinical testing. Allele origin: germline. Inheritance: Autosomal recessive inheritance. Affected: yes.
Comment: compund heterozygous with class 3 missense